The following is an entry in ClinVar:

NM_201384.3(PLEC):c.10553A>G (p.His3518Arg)

Gene: PLEC (plectin; minus strand). Cytogenetic location: 8q24.3.
Variant type: single nucleotide variant.
Coding change: c.10553A>G on transcript NM_201384.3 (MANE Select); coding-DNA position 10553, A replaced by G.
Protein change: p.His3518Arg; replaces histidine 3518 with arginine.
Molecular consequence: missense variant.
Genome position (GRCh38, 1-based): chr8:143,919,268, T>C on the plus strand (A>G on the coding strand, the complement: PLEC is on the minus strand). VCF-style: chr8-143919268-T-C. GRCh37 (hg19) VCF-style: chr8-144993436-T-C.
Other names: c.10634A>G (NM_000445.3, NM_000445.4); c.10634A>G, p.His3545Arg (NM_000445.5); c.10511A>G, p.His3504Arg (NM_201378.4); c.10487A>G, p.His3496Arg (NM_201379.3); c.10964A>G, p.His3655Arg (NM_201380.4); c.10457A>G, p.His3486Arg (NM_201381.3); c.10553A>G, p.His3518Arg (NM_201382.4); c.10565A>G, p.His3522Arg (NM_201383.3); short protein forms H3522R, H3545R, H3655R, H3486R, H3518R, H3496R, H3504R.
Identifiers: ClinVar variation 1040569 (VCV001040569.12), dbSNP rs369538885, ClinGen allele CA4924612.

ClinVar aggregate classification (germline): Uncertain significance. Review status: criteria provided, multiple submitters, no conflicts (2 of 4 stars). 5 submissions from 5 submitters: Uncertain significance (5). Last evaluated 2026-05-07.

Conditions:
PLEC-related disorder. Also called: PLEC-related disorders; PLEC-related condition.
Epidermolysis bullosa simplex 5B, with muscular dystrophy (EBS5B). Also called: Epidermolysis bullosa simplex with muscular dystrophy; EPIDERMOLYSIS BULLOSA SIMPLEX AND LIMB-GIRDLE MUSCULAR DYSTROPHY. Identifiers: Orphanet 257, MedGen C2931072, MONDO:0009181, OMIM 226670.
Epidermolysis bullosa simplex with nail dystrophy (EBS5D). Identifiers: MedGen C4225309, MONDO:0014661, OMIM 616487.
Epidermolysis bullosa simplex 5C, with pyloric atresia (EBS5C). Also called: PLEC-Related Epidermolysis Bullosa with Pyloric Atresia; Epidermolysis bullosa simplex with pyloric atresia; PLEC1-Related Epidermolysis Bullosa with Pyloric Atresia. Identifiers: Orphanet 158684, MedGen C2677349, MONDO:0012807, OMIM 612138.
Epidermolysis bullosa simplex, Ogna type (EBS5A). Also called: Pidermolysis bullosa simplex 5A, Ogna type; EPIDERMOLYSIS BULLOSA SIMPLEX 5A, OGNA TYPE. Identifiers: Orphanet 79401, MedGen C0432317, MONDO:0007555, OMIM 131950.
Autosomal recessive limb-girdle muscular dystrophy type 2Q (LGMDR17). Also called: MUSCULAR DYSTROPHY, LIMB-GIRDLE, AUTOSOMAL RECESSIVE 17. Identifiers: Orphanet 254361, MedGen C3150989, MONDO:0013390, OMIM 613723.
Inborn genetic diseases. Identifiers: MedGen C0950123, MeSH D030342.

Allele frequency attached by ClinVar (database versions not stated): TOPMed 0.00002; ExAC 0.00003; gnomAD 0.00003 and 0.00004; gnomAD exomes 0.00003; ESP Exome Variant Server 0.00008.
gnomAD v4.1: 24 of 1,613,896 alleles (0.0015%); highest among the groups gnomAD compares: African/African-American, 0.004%; no homozygotes.

Submissions (5):

PreventionGenetics, part of Exact Sciences
Classification: Uncertain significance for PLEC-related condition. Last evaluated: 2026-05-07. Review status: criteria provided, single submitter. Criteria: ACMG Guidelines, 2015. Collection method: clinical testing. Allele origin: germline.
Comment: The PLEC c.10634A>G variant is predicted to result in the amino acid substitution p.His3545Arg. To our knowledge, this variant has not been reported in the literature. This variant is reported in 0.0083% of alleles in individuals of African descent in gnomAD. At this time, the clinical significance of this variant is uncertain due to the absence of conclusive functional and genetic evidence.

Women's Health and Genetics/Laboratory Corporation of America, LabCorp
Classification: Uncertain significance. Last evaluated: 2026-03-03. Review status: criteria provided, single submitter. Criteria: LabCorp Variant Classification Summary - May 2015. Collection method: clinical testing. Allele origin: germline.
Comment: Variant summary: PLEC c.10634A>G (p.His3545Arg) results in a non-conservative amino acid change in the encoded protein sequence. Algorithms developed to predict the effect of missense changes on protein structure and function are either unavailable or do not agree on the potential impact of this missense change. The variant allele was found at a frequency of 3.2e-05 in 249506 control chromosomes. The available data on variant occurrences in the general population are insufficient to allow any conclusion about variant significance. To our knowledge, no occurrence of c.10634A>G in individuals affected with PLEC-related conditions and no experimental evidence demonstrating its impact on protein function have been reported. ClinVar contains an entry for this variant (Variation ID: 1040569). Based on the evidence outlined above, the variant was classified as uncertain significance.

Labcorp Genetics (formerly Invitae), Labcorp
Classification: Uncertain significance for Autosomal recessive limb-girdle muscular dystrophy type 2Q; Epidermolysis bullosa simplex, Ogna type; Epidermolysis bullosa simplex with nail dystrophy; Epidermolysis bullosa simplex 5C, with pyloric atresia; Epidermolysis bullosa simplex 5B, with muscular dystrophy. Last evaluated: 2026-01-22. Review status: criteria provided, single submitter. Criteria: Invitae Variant Classification Sherloc (09022015). Collection method: clinical testing. Allele origin: germline.
Comment: This sequence change replaces histidine, which is basic and polar, with arginine, which is basic and polar, at codon 3545 of the PLEC protein (p.His3545Arg). This variant is present in population databases (rs369538885, gnomAD 0.008%). This variant has not been reported in the literature in individuals affected with PLEC-related conditions. ClinVar contains an entry for this variant (Variation ID: 1040569). Invitae Evidence Modeling of protein sequence and biophysical properties (such as structural, functional, and spatial information, amino acid conservation, physicochemical variation, residue mobility, and thermodynamic stability) indicates that this missense variant is not expected to disrupt PLEC protein function with a negative predictive value of 80%. In summary, the available evidence is currently insufficient to determine the role of this variant in disease. Therefore, it has been classified as a Variant of Uncertain Significance.

Ambry Genetics
Classification: Uncertain significance for Inborn genetic diseases. Last evaluated: 2025-10-22. Review status: criteria provided, single submitter. Criteria: Ambry Variant Classification Scheme 2023. Collection method: clinical testing. Allele origin: germline.

Revvity Omics, Revvity
Classification: Uncertain significance. Last evaluated: 2020-09-15. Review status: criteria provided, single submitter. Criteria: ACMG Guidelines, 2015. Collection method: clinical testing. Allele origin: germline.